The following continues an entry in ClinVar:

NM_004092.4(ECHS1):c.518C>T (p.Ala173Val)

Gene: ECHS1. ClinVar aggregate classification (germline): Pathogenic/Likely pathogenic. Pathogenic (9); Likely pathogenic (5).

Submissions 14 to 16 of 16:

Neuberg Centre For Genomic Medicine, NCGM
Classification: Pathogenic for Mitochondrial short-chain Enoyl-Coa hydratase 1 deficiency. Review status: criteria provided, single submitter. Criteria: ACMG Guidelines, 2015. Collection method: clinical testing. Allele origin: germline. Inheritance: Autosomal recessive inheritance. Affected: yes.
Comment: The observed missense variant c.518C>T(p.Ala173Val) in ECHS1 gene has been reported previously in compound heterozygous state in multiple individuals with ECHS1-related conditions (Illsinger S, et al., 2020, Olgiati S, et al., 2016). This variant is reported to being in trans (on the opposite chromosome) from a pathogenic variant. It has also been observed to segregate with disease in related individuals. The c.518C>T variant has 0.02% allele frequency in gnomAD Exomes. This variant has been reported to the ClinVar database as Pathogenic/Likely Pathogenic/Uncertain Significance. Multiple lines of computational evidence (Polyphen, SIFT and MutationTaster) predict a damaging effect on protein structure and function for this variant. The amino acid Alanine at position 173 is changed to a Valine changing protein sequence and it might alter its composition and physico-chemical properties.The amino acid change p.Ala173Val in ECHS1 is predicted as conserved by GERP++ and PhyloP across 100 vertebrates. For these reasons, this variant has been classified as Pathogenic. In the absence of another reportable variant, the molecular diagnosis is not confirmed.

GeneReviews
No classification provided. Condition: Mitochondrial short-chain Enoyl-Coa hydratase 1 deficiency. Review status: no classification provided. Collection method: literature only. Allele origin: germline. Not counted in ClinVar's aggregate classification.

Laboratorio de Genetica e Diagnostico Molecular, Hospital Israelita Albert Einstein
Classification: Uncertain significance for Mitochondrial short-chain Enoyl-Coa hydratase 1 deficiency. Last evaluated: 2022-09-23. Review status: flagged submission. Criteria: ACMG Guidelines, 2015. Collection method: clinical testing. Allele origin: germline. Affected: yes. Observed: 1 variant allele. Not counted in ClinVar's aggregate classification.
Comment: ACMG classification criteria: PM3 very strong, PP1 supporting
ClinVar note: Reason: Outlier claim with insufficient supporting evidence

Literature cited by the submitters: PubMed 27090768 (cited by 3 submitters); PubMed 28039521 (cited by Labcorp Genetics (formerly Invitae), Labcorp and Women's Health and Genetics/Laboratory Corporation of America, LabCorp); PubMed 30008475 (cited by Labcorp Genetics (formerly Invitae), Labcorp); PubMed 32677093 (cited by Labcorp Genetics (formerly Invitae), Labcorp); PubMed 32858208 (cited by 3 submitters); PubMed 40240482 (cited by Victorian Clinical Genetics Services, Murdoch Childrens Research Institute); PubMed 36064416 (cited by Victorian Clinical Genetics Services, Murdoch Childrens Research Institute); PubMed 34716721 (cited by Women's Health and Genetics/Laboratory Corporation of America, LabCorp); PubMed 34052969 (cited by Women's Health and Genetics/Laboratory Corporation of America, LabCorp); PubMed 26099313 (cited by Ambry Genetics); NCBI Bookshelf NBK542806 (cited by GeneReviews); PubMed 31219693 (cited by GeneReviews).